The following is an entry in ClinVar:

NM_001848.3(COL6A1):c.559T>G (p.Phe187Val)

Gene: COL6A1 (collagen type VI alpha 1 chain; plus strand). Cytogenetic location: 21q22.3.
Variant type: single nucleotide variant.
Coding change: c.559T>G on transcript NM_001848.3 (MANE Select); coding-DNA position 559, T replaced by G.
Protein change: p.Phe187Val; replaces phenylalanine 187 with valine.
Molecular consequence: missense variant.
Genome position (GRCh38, 1-based): chr21:45,986,656, T>G. VCF-style: chr21-45986656-T-G. GRCh37 (hg19) VCF-style: chr21-47406570-T-G.
Other names: short protein forms F187V.
Identifiers: ClinVar variation 3021368 (VCV003021368.3), dbSNP rs2526315092, ClinGen allele CA410518200.

ClinVar aggregate classification (germline): Uncertain significance (1 of 4 stars; one submission).

Conditions:
Bethlem myopathy 1A. Also called: MYOPATHY, BENIGN CONGENITAL, WITH CONTRACTURES; Bethlem myopathy 1; Bethlem Muscular Dystrophy. Identifiers: Orphanet 610, MedGen CN029274, MONDO:0024530, OMIM 158810.

Submission:

Labcorp Genetics (formerly Invitae), Labcorp
Classification: Uncertain significance for Bethlem myopathy 1A. Last evaluated: 2023-05-19. Review status: criteria provided, single submitter. Criteria: Invitae Variant Classification Sherloc (09022015). Collection method: clinical testing. Allele origin: germline.
Comment: In summary, the available evidence is currently insufficient to determine the role of this variant in disease. Therefore, it has been classified as a Variant of Uncertain Significance. Advanced modeling of protein sequence and biophysical properties (such as structural, functional, and spatial information, amino acid conservation, physicochemical variation, residue mobility, and thermodynamic stability) performed at Invitae indicates that this missense variant is not expected to disrupt COL6A1 protein function. This variant has not been reported in the literature in individuals affected with COL6A1-related conditions. This variant is not present in population databases (gnomAD no frequency). This sequence change replaces phenylalanine, which is neutral and non-polar, with valine, which is neutral and non-polar, at codon 187 of the COL6A1 protein (p.Phe187Val).